The following is an entry in ClinVar:

ClinVar aggregate classification (germline): Likely pathogenic (1 of 4 stars; one submission).

Conditions:
Marfan syndrome (MFS). Also called: FBN1-Related Marfan Syndrome; MARFAN SYNDROME, TYPE I; Marfan syndrome type 1; Marfan's syndrome; Marfan syndrome, classic. Identifiers: Orphanet 284963, Orphanet 558, MedGen C0024796, MONDO:0007947, OMIM 154700.
Familial thoracic aortic aneurysm and aortic dissection (TAAD). Also called: Thoracic aortic aneurysms and dissections. Identifiers: Orphanet 91387, MedGen C4707243, MONDO:0019625.

Submission:

Labcorp Genetics (formerly Invitae), Labcorp
Classification: Likely pathogenic for Marfan syndrome; Familial thoracic aortic aneurysm and aortic dissection. Last evaluated: 2025-11-03. Review status: criteria provided, single submitter. Criteria: Invitae Variant Classification Sherloc (09022015). Collection method: clinical testing. Allele origin: germline.
Comment: This variant results in the deletion of part of exon 50 (c.6159_6163+7del ) of the FBN1 gene. It is expected to disrupt RNA splicing. Variants that disrupt the donor or acceptor splice site typically lead to a loss of protein function (PMID: 16199547), and loss-of-function variants in FBN1 are known to be pathogenic (PMID: 17657824, 19293843). This variant is not present in population databases (gnomAD no frequency). This variant has not been reported in the literature in individuals affected with FBN1-related conditions. This variant disrupts a region of the FBN1 protein in which other variant(s) (p.Gln2054Arg) have been observed in individuals with FBN1-related conditions (internal data). This suggests that this is a clinically significant region of the protein, and that variants that disrupt it are likely to be disease-causing. In summary, the currently available evidence indicates that the variant is pathogenic, but additional data are needed to prove that conclusively. Therefore, this variant has been classified as Likely Pathogenic.

Literature cited by the submitters: PubMed 16199547; PubMed 17657824; PubMed 19293843.

NM_000138.5(FBN1):c.6159_6163+7del

Gene: FBN1 (fibrillin 1; minus strand). Cytogenetic location: 15q21.1.
Variant type: Deletion.
Coding change: c.6159_6163+7del on transcript NM_000138.5 (MANE Select); coding-DNA position 6159 through 7 bases into the intron after coding-DNA position 6163, 12 bases deleted (CCAAGGTAAGTG).
Molecular consequence: splice donor variant.
Genome position (GRCh38, 1-based): chr15:48,441,714-48,441,725, CACTTACCTTGG deleted on the plus strand (CCAAGGTAAGTG on the coding strand, the reverse complement: FBN1 is on the minus strand); deleting any 12 consecutive bases within chr15:48,441,714-48,441,728 gives the same sequence; the c. name uses the placement nearest the transcript's 3' end. VCF-style (leftmost placement, unchanged base first): chr15-48441713-ACACTTACCTTGG-A. GRCh37 (hg19) VCF-style: chr15-48733910-ACACTTACCTTGG-A.
Other names: c.6159_6163+7del (NM_001406716.1).
Identifiers: ClinVar variation 4786557 (VCV004786557.1).